The following is an entry in ClinVar:

NM_002476.2(MYL4):c.163+1G>A

Gene: MYL4 (myosin light chain 4; plus strand). Cytogenetic location: 17q21.32.
Variant type: single nucleotide variant.
Coding change: c.163+1G>A on transcript NM_002476.2 (MANE Select); the canonical splice donor site of the intron after coding-DNA position 163, G replaced by A.
Molecular consequence: splice donor variant.
Genome position (GRCh38, 1-based): chr17:47,213,827, G>A. VCF-style: chr17-47213827-G-A. GRCh37 (hg19) VCF-style: chr17-45291193-G-A.
Other names: c.163+1G>A (NM_001002841.2).
Identifiers: ClinVar variation 3630172 (VCV003630172.2).

ClinVar aggregate classification (germline): Likely pathogenic (1 of 4 stars; one submission).

Conditions:
Atrial fibrillation, familial, 18 (ATFB18). Identifiers: MedGen C4310636, MONDO:0015001, OMIM 617280.

Submission:

Labcorp Genetics (formerly Invitae), Labcorp
Classification: Likely pathogenic for Atrial fibrillation, familial, 18. Last evaluated: 2025-04-29. Review status: criteria provided, single submitter. Criteria: Invitae Variant Classification Sherloc (09022015). Collection method: clinical testing. Allele origin: germline.
Comment: This sequence change affects a donor splice site in intron 3 of the MYL4 gene. It is expected to disrupt RNA splicing. Variants that disrupt the donor or acceptor splice site typically lead to a loss of protein function (PMID: 16199547), and loss-of-function variants in MYL4 are known to be pathogenic (PMID: 25807286, 27742809). This variant is not present in population databases (gnomAD no frequency). This variant has not been reported in the literature in individuals affected with MYL4-related conditions. ClinVar contains an entry for this variant (Variation ID: 3630172). Algorithms developed to predict the effect of sequence changes on RNA splicing suggest that this variant may disrupt the consensus splice site. In summary, the currently available evidence indicates that the variant is pathogenic, but additional data are needed to prove that conclusively. Therefore, this variant has been classified as Likely Pathogenic.

Literature cited by the submitters: PubMed 16199547; PubMed 25807286; PubMed 27742809.